The following is an entry in ClinVar:

NM_000268.4(NF2):c.1702A>G (p.Arg568Gly)

Gene: NF2 (NF2, moesin-ezrin-radixin like (MERLIN) tumor suppressor; plus strand). Cytogenetic location: 22q12.2.
Variant type: single nucleotide variant.
Coding change: c.1702A>G on transcript NM_000268.4 (MANE Select); coding-DNA position 1702, A replaced by G.
Protein change: p.Arg568Gly; replaces arginine 568 with glycine.
Molecular consequence: missense variant. On other transcripts: non-coding transcript variant (1), intron variant (1).
Genome position (GRCh38, 1-based): chr22:29,681,566, A>G. VCF-style: chr22-29681566-A-G. GRCh37 (hg19) VCF-style: chr22-30077555-A-G.
Other names: c.1702A>G, p.Arg568Gly (NM_016418.5, NM_181825.3, NM_181832.3); c.1576A>G, p.Arg526Gly (NM_181828.3); c.1579A>G, p.Arg527Gly (NM_181829.3); c.1453A>G, p.Arg485Gly (NM_181830.3, NM_181831.3); c.448-13186A>G (NM_181833.3); short protein forms R527G, R568G, R485G, R526G.
Identifiers: ClinVar variation 640708 (VCV000640708.10), dbSNP rs1318481716, ClinGen allele CA411150411.

ClinVar aggregate classification (germline): Uncertain significance. Review status: criteria provided, multiple submitters, no conflicts (2 of 4 stars). 2 submissions from 2 submitters: Uncertain significance (2). Last evaluated 2026-04-05.

Conditions:
Hereditary cancer-predisposing syndrome. Also called: Tumor predisposition; Hereditary Cancer Syndrome; Neoplastic Syndromes, Hereditary; Hereditary neoplastic syndrome. Identifiers: Orphanet 140162, MedGen C0027672, MeSH D009386, MONDO:0015356.
Neurofibromatosis, type 2 (SWNV). Also called: NF2-Related Schwannomatosis; SCHWANNOMATOSIS, VESTIBULAR; BILATERAL ACOUSTIC NEUROFIBROMATOSIS. Identifiers: Orphanet 637, MedGen C0027832, MONDO:0007039, OMIM 101000. Disease mechanism: loss of function.

Allele frequency attached by ClinVar (database versions not stated): TOPMed below 0.00001.

Submissions (2):

Ambry Genetics
Classification: Uncertain significance for Hereditary cancer-predisposing syndrome. Last evaluated: 2026-04-05. Review status: criteria provided, single submitter. Criteria: Ambry Variant Classification Scheme 2023. Collection method: clinical testing. Allele origin: germline.
Comment: The p.R568G variant (also known as c.1702A>G), located in coding exon 15 of the NF2 gene, results from an A to G substitution at nucleotide position 1702. The arginine at codon 568 is replaced by glycine, an amino acid with dissimilar properties. This amino acid position is conserved. In addition, the in silico prediction for this alteration is inconclusive. Based on the available evidence, the clinical significance of this variant remains unclear.

Labcorp Genetics (formerly Invitae), Labcorp
Classification: Uncertain significance for Neurofibromatosis, type 2. Last evaluated: 2025-10-09. Review status: criteria provided, single submitter. Criteria: Invitae Variant Classification Sherloc (09022015). Collection method: clinical testing. Allele origin: germline.
Comment: This sequence change replaces arginine, which is basic and polar, with glycine, which is neutral and non-polar, at codon 568 of the NF2 protein (p.Arg568Gly). This variant is not present in population databases (gnomAD no frequency). This variant has not been reported in the literature in individuals affected with NF2-related conditions. ClinVar contains an entry for this variant (Variation ID: 640708). Invitae Evidence Modeling of protein sequence and biophysical properties (such as structural, functional, and spatial information, amino acid conservation, physicochemical variation, residue mobility, and thermodynamic stability) indicates that this missense variant is not expected to disrupt NF2 protein function with a negative predictive value of 80%. In summary, the available evidence is currently insufficient to determine the role of this variant in disease. Therefore, it has been classified as a Variant of Uncertain Significance.